The following is an entry in ClinVar:

NM_033100.4(CDHR1):c.1143G>C (p.Lys381Asn)

Gene: CDHR1 (cadherin related family member 1; plus strand). Cytogenetic location: 10q23.1.
Variant type: single nucleotide variant.
Coding change: c.1143G>C on transcript NM_033100.4 (MANE Select); coding-DNA position 1143, G replaced by C.
Protein change: p.Lys381Asn; replaces lysine 381 with asparagine.
Molecular consequence: missense variant.
Genome position (GRCh38, 1-based): chr10:84,208,353, G>C. VCF-style: chr10-84208353-G-C. GRCh37 (hg19) VCF-style: chr10-85968109-G-C.
Other names: c.1143G>C, p.Lys381Asn (NM_001171971.3); short protein forms K381N.
Identifiers: ClinVar variation 1464877 (VCV001464877.8), dbSNP rs2132820907, ClinGen allele CA377375059.

ClinVar aggregate classification (germline): Uncertain significance (1 of 4 stars; one submission).

Submission:

Labcorp Genetics (formerly Invitae), Labcorp
Classification: Uncertain significance. Last evaluated: 2025-03-17. Review status: criteria provided, single submitter. Criteria: Invitae Variant Classification Sherloc (09022015). Collection method: clinical testing. Allele origin: germline.
Comment: This sequence change replaces lysine, which is basic and polar, with asparagine, which is neutral and polar, at codon 381 of the CDHR1 protein (p.Lys381Asn). This variant is not present in population databases (gnomAD no frequency). This variant has not been reported in the literature in individuals affected with CDHR1-related conditions. ClinVar contains an entry for this variant (Variation ID: 1464877). Invitae Evidence Modeling of protein sequence and biophysical properties (such as structural, functional, and spatial information, amino acid conservation, physicochemical variation, residue mobility, and thermodynamic stability) indicates that this missense variant is not expected to disrupt CDHR1 protein function with a negative predictive value of 80%. In summary, the available evidence is currently insufficient to determine the role of this variant in disease. Therefore, it has been classified as a Variant of Uncertain Significance.